The following is an entry in ClinVar:

ClinVar aggregate classification (germline): Uncertain significance (1 of 4 stars; one submission).

Conditions:
Koolen-de Vries syndrome (KDVS). Identifiers: Orphanet 96169, MedGen C1864871, MONDO:0012496, OMIM 610443.

Submission:

Labcorp Genetics (formerly Invitae), Labcorp
Classification: Uncertain significance for Koolen-de Vries syndrome. Last evaluated: 2022-02-15. Review status: criteria provided, single submitter. Criteria: Invitae Variant Classification Sherloc (09022015). Collection method: clinical testing. Allele origin: germline.
Comment: In summary, the available evidence is currently insufficient to determine the role of this variant in disease. Therefore, it has been classified as a Variant of Uncertain Significance. Algorithms developed to predict the effect of missense changes on protein structure and function output the following: SIFT: "Tolerated"; PolyPhen-2: "Benign"; Align-GVGD: "Class C0". The valine amino acid residue is found in multiple mammalian species, which suggests that this missense change does not adversely affect protein function. This variant has not been reported in the literature in individuals affected with KANSL1-related conditions. This variant is not present in population databases (gnomAD no frequency). This sequence change replaces methionine, which is neutral and non-polar, with valine, which is neutral and non-polar, at codon 711 of the KANSL1 protein (p.Met711Val).

NM_015443.4(KANSL1):c.2131A>G (p.Met711Val)

Gene: KANSL1 (KAT8 regulatory NSL complex subunit 1). Cytogenetic location: 17q21.31.
Variant type: single nucleotide variant.
Coding change: c.2131A>G on transcript NM_015443.4 (MANE Select); coding-DNA position 2131, A replaced by G.
Protein change: p.Met711Val; replaces methionine 711 with valine.
Molecular consequence: missense variant.
Genome position (GRCh38, 1-based): chr17:46,039,774, T>C on the plus strand (A>G on the coding strand, the complement: KANSL1 is on the minus strand). VCF-style: chr17-46039774-T-C. GRCh37 (hg19) VCF-style: chr17-44117140-T-C.
Other names: c.2131A>G, p.Met711Val (NM_001193465.2, NM_001193466.2, NM_001405872.1 and 14 more transcripts); c.2029A>G, p.Met677Val (NM_001405881.1, NM_001405859.1, NM_001405860.1 and 1 more transcripts); c.865A>G, p.Met289Val (NM_001405882.1, NM_001405883.1, NM_001405884.1 and 1 more transcripts); short protein forms M677V, M711V, M289V.
Identifiers: ClinVar variation 2097783 (VCV002097783.4), dbSNP rs2510499788, ClinGen allele CA399982259.